The following is an entry in ClinVar:

NM_001943.5(DSG2):c.713C>T (p.Thr238Ile)

Gene: DSG2 (desmoglein 2; plus strand). Cytogenetic location: 18q12.1.
Variant type: single nucleotide variant.
Coding change: c.713C>T on transcript NM_001943.5 (MANE Select); coding-DNA position 713, C replaced by T.
Protein change: p.Thr238Ile; replaces threonine 238 with isoleucine.
Molecular consequence: missense variant.
Genome position (GRCh38, 1-based): chr18:31,524,470, C>T. VCF-style: chr18-31524470-C-T. GRCh37 (hg19) VCF-style: chr18-29104433-C-T.
Other names: short protein forms T238I.
Identifiers: ClinVar variation 922617 (VCV000922617.15), dbSNP rs767523704, ClinGen allele CA049798.

ClinVar aggregate classification (germline): Conflicting classifications of pathogenicity. Review status: criteria provided, conflicting classifications (1 of 4 stars). 4 submissions from 4 submitters: Uncertain significance (1); Likely benign (3). Last evaluated 2025-02-26.

Conditions:
Cardiovascular phenotype. Identifiers: MedGen CN230736.
Arrhythmogenic right ventricular cardiomyopathy (ARVD). Also called: Arrhythmogenic cardiomyopathy; Cardiomyopathy, ARVC; Arrhythmogenic right ventricular dysplasia; Arrhythmogenic Right Ventricular Cardiomyopathy (ARVC). Identifiers: Orphanet 247, MedGen C0349788, MeSH D019571, MONDO:0016587. Disease mechanism: loss of function. Inheritance: Various modes of inheritance.
Cardiomyopathy (CMYO). Also called: Cardiomyopathies. Identifiers: Orphanet 167848, MedGen C0878544, MONDO:0004994, HP:0001638. Inheritance: Various modes of inheritance.
Arrhythmogenic right ventricular dysplasia 10. Also called: Arrhythmogenic Right Ventricular Dysplasia/Cardiomyopathy10; ARRHYTHMOGENIC RIGHT VENTRICULAR DYSPLASIA, FAMILIAL, 10; Arrhythmogenic right ventricular dysplasia/cardiomyopathy, type 10. Identifiers: MedGen C1857777, MONDO:0012434, OMIM 610193.

Allele frequency attached by ClinVar (database versions not stated): TOPMed below 0.00001; gnomAD 0.00001; gnomAD exomes 0.00001 and 0.00004; ExAC 0.00002.

Submissions (4):

Ambry Genetics
Classification: Likely benign for Cardiovascular phenotype. Last evaluated: 2025-02-26. Review status: criteria provided, single submitter. Criteria: Ambry Variant Classification Scheme 2023. Collection method: clinical testing. Allele origin: germline.

Color Diagnostics, LLC DBA Color Health
Classification: Likely benign for Cardiomyopathy. Last evaluated: 2024-08-29. Review status: criteria provided, single submitter. Criteria: ACMG Guidelines, 2015. Collection method: clinical testing. Allele origin: germline.

All of Us Research Program, National Institutes of Health
Classification: Likely benign for Arrhythmogenic right ventricular cardiomyopathy. Last evaluated: 2023-08-15. Review status: criteria provided, single submitter. Criteria: ACMG Guidelines, 2015. Collection method: clinical testing. Allele origin: germline. Inheritance: Autosomal dominant inheritance. Observed: 4 variant alleles, 4 heterozygotes.
Comment: This study involves interpretation of variants in research participants for the purpose of population health screening. Participant phenotype was not available at the time of variant classification. Additional details can be found in publication PMID: 35346344, PMCID: PMC8962531

Labcorp Genetics (formerly Invitae), Labcorp
Classification: Uncertain significance for Arrhythmogenic right ventricular dysplasia 10. Last evaluated: 2020-06-21. Review status: criteria provided, single submitter. Criteria: Invitae Variant Classification Sherloc (09022015). Collection method: clinical testing. Allele origin: germline.
Comment: This sequence change replaces threonine with isoleucine at codon 238 of the DSG2 protein (p.Thr238Ile). The threonine residue is moderately conserved and there is a moderate physicochemical difference between threonine and isoleucine. This variant is present in population databases (rs767523704, ExAC 0.006%). This variant has not been reported in the literature in individuals with DSG2-related conditions. Algorithms developed to predict the effect of missense changes on protein structure and function output the following: SIFT: "Tolerated"; PolyPhen-2: "Benign"; Align-GVGD: "Class C0". The isoleucine amino acid residue is found in multiple mammalian species, suggesting that this missense change does not adversely affect protein function. These predictions have not been confirmed by published functional studies and their clinical significance is uncertain. In summary, the available evidence is currently insufficient to determine the role of this variant in disease. Therefore, it has been classified as a Variant of Uncertain Significance.